The following is an entry in ClinVar:

NM_004415.4(DSP):c.503G>A (p.Gly168Asp)

Gene: DSP (desmoplakin; plus strand). Cytogenetic location: 6p24.3.
Variant type: single nucleotide variant.
Coding change: c.503G>A on transcript NM_004415.4 (MANE Select); coding-DNA position 503, G replaced by A.
Protein change: p.Gly168Asp; replaces glycine 168 with aspartic acid.
Molecular consequence: missense variant.
Genome position (GRCh38, 1-based): chr6:7,559,306, G>A. VCF-style: chr6-7559306-G-A. GRCh37 (hg19) VCF-style: chr6-7559539-G-A.
Other names: c.503G>A, p.Gly168Asp (NM_001008844.3, NM_001319034.2); short protein forms G168D.
Identifiers: ClinVar variation 1311338 (VCV001311338.3), dbSNP rs750299557, ClinGen allele CA362672438.
Genomic context (GRCh38, chr6:7,559,306, plus strand): 5'-AAATGCGAGCCCTTTATAAAGCCATCAGTGTCCCTCGAGTCCGCAGGGCCAGCTCCAAGG[G>A]TGGTGGAGGCTACACTTGTCAGAGTGGCTCTGGCTGGGATGAGTTCACCAAACATGTCAC-3'
Protein context (NP_004406.2, residues 158-178): VPRVRRASSK[Gly168Asp]GGGYTCQSGS

ClinVar aggregate classification (germline): Uncertain significance. Review status: criteria provided, multiple submitters, no conflicts (2 of 4 stars). 2 submissions from 2 submitters: Uncertain significance (2). Last evaluated 2024-09-11.

Submissions (2):

Blueprint Genetics
Classification: Uncertain significance. Last evaluated: 2024-09-11. Review status: criteria provided, single submitter. Criteria: ACMG Guidelines, 2015. Collection method: clinical testing. Allele origin: germline.

GeneDx
Classification: Uncertain significance. Last evaluated: 2019-12-30. Review status: criteria provided, single submitter. Criteria: GeneDx Variant Classification Process June 2021. Collection method: clinical testing. Allele origin: germline. Affected: yes.
Comment: Has not been previously published as pathogenic or benign to our knowledge; Not observed in large population cohorts (Lek et al., 2016); In silico analysis, which includes protein predictors and evolutionary conservation, supports that this variant does not alter protein structure/function